The following is an entry in ClinVar:

ClinVar aggregate classification (germline): Uncertain significance (1 of 4 stars; one submission).

Conditions:
Muscular dystrophy-dystroglycanopathy (congenital with brain and eye anomalies), type A, 7. Also called: WALKER-WARBURG SYNDROME OR MUSCLE-EYE-BRAIN DISEASE, ISPD-RELATED; Congenital muscular dystrophy-dystroglycanopathy with brain and eye anomalies, type A7. Identifiers: Orphanet 899, MedGen C3553330, MONDO:0013835, OMIM 614643.
Autosomal recessive limb-girdle muscular dystrophy type 2U. Also called: Muscular dystrophy-dystroglycanopathy (limb-girdle), type c, 7; MUSCULAR DYSTROPHY, LIMB-GIRDLE, TYPE 2U. Identifiers: Orphanet 352479, MedGen C5190987, MONDO:0014474, OMIM 616052.

Allele frequency attached by ClinVar (database versions not stated): TOPMed below 0.00001; ESP Exome Variant Server 0.00008.
gnomAD v4.1: 3 of 1,606,238 alleles (0.00019%); highest among the groups gnomAD compares: African/African-American, 0.0013%; no homozygotes.

Submission:

Labcorp Genetics (formerly Invitae), Labcorp
Classification: Uncertain significance for Muscular dystrophy-dystroglycanopathy (congenital with brain and eye anomalies), type A, 7; Autosomal recessive limb-girdle muscular dystrophy type 2U. Last evaluated: 2025-04-07. Review status: criteria provided, single submitter. Criteria: Invitae Variant Classification Sherloc (09022015). Collection method: clinical testing. Allele origin: germline.
Comment: This sequence change replaces arginine, which is basic and polar, with glycine, which is neutral and non-polar, at codon 184 of the ISPD protein (p.Arg184Gly). This variant is not present in population databases (gnomAD no frequency). This missense change has been observed in individual(s) with myofibrillar myopathy (PMID: 31127727). ClinVar contains an entry for this variant (Variation ID: 837598). Invitae Evidence Modeling of protein sequence and biophysical properties (such as structural, functional, and spatial information, amino acid conservation, physicochemical variation, residue mobility, and thermodynamic stability) indicates that this missense variant is expected to disrupt ISPD protein function with a positive predictive value of 80%. In summary, the available evidence is currently insufficient to determine the role of this variant in disease. Therefore, it has been classified as a Variant of Uncertain Significance.

Literature cited by the submitters: PubMed 31127727.

NM_001101426.4(CRPPA):c.550C>G (p.Arg184Gly)

Gene: CRPPA (CDP-L-ribitol pyrophosphorylase A; minus strand). Cytogenetic location: 7p21.2.
Variant type: single nucleotide variant.
Coding change: c.550C>G on transcript NM_001101426.4 (MANE Select); coding-DNA position 550, C replaced by G.
Protein change: p.Arg184Gly; replaces arginine 184 with glycine.
Molecular consequence: missense variant. On other transcripts: non-coding transcript variant (1), intron variant (1).
Genome position (GRCh38, 1-based): chr7:16,376,226, G>C on the plus strand (C>G on the coding strand, the complement: CRPPA is on the minus strand). VCF-style: chr7-16376226-G-C. GRCh37 (hg19) VCF-style: chr7-16415851-G-C.
Other names: c.550C>G, p.Arg184Gly (NM_001368197.1); c.534+29835C>G (NM_001101417.4); short protein forms R184G.
Identifiers: ClinVar variation 837598 (VCV000837598.8), dbSNP rs370499190, ClinGen allele CA154760504.